The following is an entry in ClinVar:

ClinVar aggregate classification (germline): Uncertain significance (1 of 4 stars; one submission).

Submission:

GeneDx
Classification: Uncertain significance. Last evaluated: 2017-06-30. Review status: criteria provided, single submitter. Criteria: GeneDx Variant Classification (06012015). Collection method: clinical testing. Allele origin: germline. Affected: yes.
Comment: The K316R variant in the GRIN1 gene has not been reported previously as a pathogenic variant, nor as a benign variant, to our knowledge. The K316R variant is not observed in large population cohorts (Lek et al., 2016; 1000 Genomes Consortium et al., 2015; Exome Variant Server). The K316R variant is a conservative amino acid substitution, which is not likely to impact secondary protein structure as these residues share similar properties. This substitution occurs at a position where amino acids with similar properties to Lysine are tolerated across species. In silico analysis is inconsistent in its predictions as to whether or not the variant is damaging to the protein structure/function. We interpret K316R as a variant of uncertain significance.

NM_007327.4(GRIN1):c.947A>G (p.Lys316Arg)

Gene: GRIN1 (glutamate ionotropic receptor NMDA type subunit 1; plus strand). Cytogenetic location: 9q34.3.
Variant type: single nucleotide variant.
Coding change: c.947A>G on transcript NM_007327.4 (MANE Select); coding-DNA position 947, A replaced by G.
Protein change: p.Lys316Arg; replaces lysine 316 with arginine.
Molecular consequence: missense variant.
Genome position (GRCh38, 1-based): chr9:137,157,016, A>G. VCF-style: chr9-137157016-A-G. GRCh37 (hg19) VCF-style: chr9-140051468-A-G.
Other names: c.947A>G, p.Lys316Arg (NM_000832.7, NM_021569.4); c.1010A>G, p.Lys337Arg (NM_001185090.2, NM_001185091.2); short protein forms K316R, K337R.
Identifiers: ClinVar variation 450075 (VCV000450075.2), dbSNP rs1554768797, ClinGen allele CA375715227.
Genomic context (GRCh38, chr9:137,157,016, plus strand): 5'-TCGAGAAGGAGAACATCACCGACCCGCCGCGGGGCTGCGTGGGCAACACCAACATCTGGA[A>G]GACCGGGCCGCTCTTCAAGAGGTGGGCGGGGCCTCCCCGGAGCTGGGCGGGGCTGCTCTT-3'
Protein context (NP_015566.1, residues 306-326): RGCVGNTNIW[Lys316Arg]TGPLFKRVLM